The following is an entry in ClinVar:

NM_000077.5(CDKN2A):c.252C>G (p.Asp84Glu)

Gene: CDKN2A (cyclin dependent kinase inhibitor 2A; minus strand). Cytogenetic location: 9p21.3.
Variant type: single nucleotide variant.
Coding change: c.252C>G on transcript NM_000077.5; coding-DNA position 252, C replaced by G.
Protein change: p.Asp84Glu; replaces aspartic acid 84 with glutamic acid.
Molecular consequence: missense variant (on NM_000077.6). On other transcripts: 3 prime UTR variant (1).
Genome position (GRCh38, 1-based): chr9:21,971,107, G>C on the plus strand (C>G on the coding strand, the complement: CDKN2A is on the minus strand). VCF-style: chr9-21971107-G-C. GRCh37 (hg19) VCF-style: chr9-21971106-G-C.
Other names: c.252C>G, p.Asp84Glu (NM_000077.6, NM_001195132.2); c.99C>G, p.Asp33Glu (NM_001363763.2); c.295C>G, p.Arg99Gly (NM_058195.4); c.*175C>G (NM_058197.5); short protein forms D84E, D33E, R99G.
Identifiers: ClinVar variation 2868822 (VCV002868822.3), dbSNP rs1472715728, ClinGen allele CA373086229.
Genomic context (GRCh38, chr9:21,971,107, plus strand): 5'-CAGCCGCGCCCCGGCCCGGTGCAGCACCACCAGCGTGTCCAGGAAGCCCTCCCGGGCAGC[G>C]TCGTGCACGGGTCGGGTGAGAGTGGCGGGGTCGGCGCAGTTGGGCTCCGCGCCGTGGAGC-3'
Protein context (NP_000068.1, residues 74-94): DPATLTRPVH[Asp84Glu]AAREGFLDTL

ClinVar aggregate classification (germline): Uncertain significance (1 of 4 stars; one submission).

Conditions:
Familial melanoma. Also called: Hereditary melanoma; Hereditary cutaneous melanoma. Identifiers: Orphanet 618, MedGen C1512419, MONDO:0018961.

Submission:

Labcorp Genetics (formerly Invitae), Labcorp
Classification: Uncertain significance for Familial melanoma. Last evaluated: 2023-06-05. Review status: criteria provided, single submitter. Criteria: Invitae Variant Classification Sherloc (09022015). Collection method: clinical testing. Allele origin: germline.
Comment: This variant is also known as c.295C>G (p.Arg99Gly) in CDKN2A (p14ARF) transcript. The CDKN2A gene encodes two different proteins, p16INK4a and p14ARF, which are translated from alternative transcripts with different open reading frames. Both transcripts have been analyzed. We report either the variant with the higher classification or default to the CDKN2A (p16INK4a) variant. This report therefore includes the details for the CDKN2A (p16INK4a) variant. In summary, the available evidence is currently insufficient to determine the role of this variant in disease. Therefore, it has been classified as a Variant of Uncertain Significance. This variant disrupts the p.Asp84 amino acid residue in CDKN2A (p16INK4a). Other variant(s) that disrupt this residue have been determined to be pathogenic (PMID: 10491434, 21462282, 35001868; Invitae). This suggests that this residue is clinically significant, and that variants that disrupt this residue are likely to be disease-causing. An algorithm developed to predict the effect of missense changes on protein structure and function (PolyPhen-2) suggests that this variant is likely to be disruptive. This variant has not been reported in the literature in individuals affected with CDKN2A (p16INK4a)-related conditions. This variant is not present in population databases (gnomAD no frequency). This sequence change replaces aspartic acid, which is acidic and polar, with glutamic acid, which is acidic and polar, at codon 84 of the CDKN2A (p16INK4a) protein (p.Asp84Glu).

Literature cited by the submitters: PubMed 10491434; PubMed 21462282; PubMed 35001868.